The following is an entry in ClinVar:

NM_000089.4(COL1A2):c.2305G>T (p.Gly769Cys)

Gene: COL1A2 (collagen type I alpha 2 chain; plus strand). Cytogenetic location: 7q21.3.
Variant type: single nucleotide variant.
Coding change: c.2305G>T on transcript NM_000089.4 (MANE Select); coding-DNA position 2305, G replaced by T.
Protein change: p.Gly769Cys; replaces glycine 769 with cysteine.
Molecular consequence: missense variant.
Genome position (GRCh38, 1-based): chr7:94,421,018, G>T. VCF-style: chr7-94421018-G-T. GRCh37 (hg19) VCF-style: chr7-94050330-G-T.
Other names: short protein forms G769C.
Identifiers: ClinVar variation 839050 (VCV000839050.13), dbSNP rs1792147522, ClinGen allele CA368223673.
Genomic context (GRCh38, chr7:94,421,018, plus strand): 5'-ATTTACAAGGGTTTGTTTGTGATTTGACTCCATCTTTTTGTTTGCATTTAGGGTCCAAAT[G>T]GTCCCCCCGGTCCTGCTGGAAGTCGTGGTGATGGAGGCCCCCCTGTGAGTATTTACAATG-3'
Protein context (NP_000080.2, residues 759-779): VGAAGPAGPN[Gly769Cys]PPGPAGSRGD

ClinVar aggregate classification (germline): Pathogenic. Review status: criteria provided, multiple submitters, no conflicts (2 of 4 stars). 3 submissions from 3 submitters: Pathogenic (3). Last evaluated 2022-05-04.

Conditions:
Ehlers-Danlos syndrome, classic type, 1 (EDSCL1). Also called: EDS I; EHLERS-DANLOS SYNDROME, GRAVIS TYPE; EHLERS-DANLOS SYNDROME, SEVERE CLASSIC TYPE; Ehlers-Danlos Syndrome, Classic Type, COL5A1-Related; Ehlers-Danlos syndrome, type 1. Identifiers: MedGen C0268335, MONDO:0019567, OMIM 130000.
Osteogenesis imperfecta type I (OI1). Also called: Lobstein disease; Classic Non-deforming Osteogenesis Imperfecta with Blue Sclerae; OI, TYPE I; OSTEOGENESIS IMPERFECTA TARDA; OSTEOGENESIS IMPERFECTA WITH BLUE SCLERAE; Osteogenesis imperfecta type 1. Identifiers: Orphanet 216796, Orphanet 666, MedGen C0023931, MONDO:0008146, OMIM 166200. Disease mechanism: loss of function.
COL1A2-related disorder. Also called: COL1A2-Related Disorders; COL1A2-related condition.
Osteogenesis imperfecta, perinatal lethal (OI2). Also called: OSTEOGENESIS IMPERFECTA, TYPE II; OI, TYPE II; OSTEOGENESIS IMPERFECTA CONGENITA; Osteogenesis imperfecta type 2; VROLIK TYPE OF OSTEOGENESIS IMPERFECTA; Osteogenesis imperfecta, dominant perinatal lethal. Identifiers: Orphanet 216804, MedGen C0268358, MONDO:0008147, OMIM 166210.

Submissions (3):

Mendelics
Classification: Pathogenic for Osteogenesis imperfecta, perinatal lethal. Last evaluated: 2022-05-04. Review status: criteria provided, single submitter. Criteria: Mendelics Assertion Criteria 2019. Collection method: clinical testing. Allele origin: germline.

Blueprint Genetics
Classification: Pathogenic for COL1A2-related disorders. Last evaluated: 2019-11-25. Review status: criteria provided, single submitter. Criteria: ACMG Guidelines, 2015. Collection method: clinical testing. Allele origin: germline. Affected: yes. Observed: 1 variant allele.

Labcorp Genetics (formerly Invitae), Labcorp
Classification: Pathogenic for Osteogenesis imperfecta type I; Ehlers-Danlos syndrome, classic type, 1. Last evaluated: 2019-03-05. Review status: criteria provided, single submitter. Criteria: Invitae Variant Classification Sherloc (09022015). Collection method: clinical testing. Allele origin: germline.
Comment: Glycine residues within the Gly-Xaa-Yaa repeats of the triple helix domain are required for the structure and stability of fibrillar collagens (PMID: 7695699, 8218237, 19344236). In COL1A2, missense variants at these glycine residues are significantly enriched in individuals with disease (PMID: 9016532,17078022) compared to the general population (ExAC). This sequence change replaces glycine with cysteine at codon 769 of the COL1A2 protein (p.Gly769Cys). The glycine residue is highly conserved and there is a large physicochemical difference between glycine and cysteine. This variant is not present in population databases (ExAC no frequency). This variant has been observed in individuals affected with osteogenesis imperfecta (PMID: 27509835). For these reasons, this variant has been classified as Pathogenic.

Literature cited by the submitters: PubMed 7695699 (cited by Labcorp Genetics (formerly Invitae), Labcorp); PubMed 8218237 (cited by Labcorp Genetics (formerly Invitae), Labcorp); PubMed 19344236 (cited by Labcorp Genetics (formerly Invitae), Labcorp); PubMed 9016532 (cited by Labcorp Genetics (formerly Invitae), Labcorp); PubMed 17078022 (cited by Labcorp Genetics (formerly Invitae), Labcorp); PubMed 27509835 (cited by Labcorp Genetics (formerly Invitae), Labcorp).